The following is an entry in ClinVar:

NM_032656.4(DHX37):c.569C>T (p.Ala190Val)

Gene: DHX37 (DEAH-box helicase 37; minus strand). Cytogenetic location: 12q24.31.
Variant type: single nucleotide variant.
Coding change: c.569C>T on transcript NM_032656.4 (MANE Select); coding-DNA position 569, C replaced by T.
Protein change: p.Ala190Val; replaces alanine 190 with valine.
Molecular consequence: missense variant.
Genome position (GRCh38, 1-based): chr12:124,980,659, G>A on the plus strand (C>T on the coding strand, the complement: DHX37 is on the minus strand). VCF-style: chr12-124980659-G-A. GRCh37 (hg19) VCF-style: chr12-125465205-G-A.
Other names: short protein forms A190V.
Identifiers: ClinVar variation 2182159 (VCV002182159.4), dbSNP rs757004022, ClinGen allele CA6872411.
Genomic context (GRCh38, chr12:124,980,659, plus strand): 5'-ACGGGCTGACTGCTGGGTGCTGGAGCTGGCGGCAGAGGTGCCACGGTGGTCCCCACACCA[G>A]CCTCAGCCGGCTCAGCAGCTGGGTCCTCGTCCAGCTCCGACTCCTCCTCCAGCTCCGATT-3'
Protein context (NP_116045.2, residues 180-200): DEDPAAEPAE[Ala190Val]GVGTTVAPLP

ClinVar aggregate classification (germline): Uncertain significance (1 of 4 stars; one submission).

Allele frequency attached by ClinVar (database versions not stated): TOPMed below 0.00001; ExAC 0.00001; gnomAD 0.00001; gnomAD exomes 0.00001.
gnomAD v4.1: 5 of 1,601,896 alleles (0.00031%); highest among the groups gnomAD compares: Admixed American, 0.0085%; no homozygotes.

Submission:

Labcorp Genetics (formerly Invitae), Labcorp
Classification: Uncertain significance. Last evaluated: 2025-08-18. Review status: criteria provided, single submitter. Criteria: Invitae Variant Classification Sherloc (09022015). Collection method: clinical testing. Allele origin: germline.
Comment: This sequence change replaces alanine, which is neutral and non-polar, with valine, which is neutral and non-polar, at codon 190 of the DHX37 protein (p.Ala190Val). The frequency data for this variant in the population databases is considered unreliable, as metrics indicate poor data quality at this position in the gnomAD database. This variant has not been reported in the literature in individuals affected with DHX37-related conditions. ClinVar contains an entry for this variant (Variation ID: 2182159). An algorithm developed to predict the effect of missense changes on protein structure and function outputs the following: PolyPhen-2: "Benign". The valine amino acid residue is found in multiple mammalian species, which suggests that this missense change does not adversely affect protein function. Algorithms developed to predict the effect of sequence changes on RNA splicing suggest that this variant may create or strengthen a splice site. In summary, the available evidence is currently insufficient to determine the role of this variant in disease. Therefore, it has been classified as a Variant of Uncertain Significance.